The following is an entry in ClinVar:

ClinVar aggregate classification (germline): Conflicting classifications of pathogenicity. Review status: criteria provided, conflicting classifications (1 of 4 stars). 8 submissions from 8 submitters: Likely pathogenic (3); Uncertain significance (4). 1 of the submissions does not count toward it. Last evaluated 2025-12-29.

Conditions:
THRB-related disorder. Also called: THRB-related condition.
Thyroid hormone resistance, generalized, autosomal dominant (GRTHD). Also called: HYPERTHYROXINEMIA, FAMILIAL EUTHYROID, SECONDARY TO PITUITARY AND PERIPHERAL RESISTANCE TO THYROID HORMONES. Identifiers: MedGen C2937288, MONDO:0008569, OMIM 188570.

Submissions (8):

Center for Genomic Medicine, Rigshospitalet, Copenhagen University Hospital
Classification: Likely pathogenic. Last evaluated: 2025-12-29. Review status: criteria provided, single submitter. Criteria: ACMG Guidelines, 2015. Collection method: clinical testing. Allele origin: germline.
Comment: Classification criteria: PM5, PP3_moderate, PM2_supporting, PP2

Victorian Clinical Genetics Services, Murdoch Childrens Research Institute
Classification: Uncertain significance for Thyroid hormone resistance, generalized, autosomal dominant. Last evaluated: 2024-10-08. Review status: criteria provided, single submitter. Criteria: ACMG Guidelines, 2015. Collection method: clinical testing. Allele origin: germline. Affected: yes.
Comment: Based on the classification scheme VCGS_Germline_v1.3.4, this variant is classified as VUS-3A. Following criteria are met: 0104 - Dominant negative is a known mechanism of disease in this gene and is associated with thyroid hormone resistance (MIM#188570), thyroid hormone resistance, autosomal recessive (MIM#274300), and thyroid hormone resistance, selective pituitary (MIM#145650) (OMIM; PMID: 30976996). (I) 0108 - This gene is associated with both recessive and dominant disease (OMIM). Autosomal dominant disease is due to the THRB mutant protein exerting a dominant negative effect on the wild type protein while recessive disease has been described in association with a THRB gene deletion where a protein is not produced (PMID: 30976996). (I) 0115 - Variants in this gene are known to have variable expressivity. Clinical variability and heterogeneity are well documented in affected individuals (PMID: 30976996). (I) 0200 - Variant is predicted to result in a missense amino acid change from glycine to arginine. (I) 0251 - This variant is heterozygous. (I) 0301 - Variant is absent from gnomAD (both v2 and v3). (SP) 0501 - Missense variant consistently predicted to be damaging by multiple in silico tools or highly conserved with a major amino acid change. (SP) 0602 - Variant is located in a hotspot region or cluster of pathogenic variants (DECIPHER). (SP) 0703 - Another missense variant comparable to the one identified in this case has moderate previous evidence for pathogenicity. p.(Gly332Glu) has been reported in two individuals with thyroid hormone resistance (PMID: 8040303, 34556608). (SP) 0808 - Previous reports of pathogenicity for this variant are conflicting. This variant has been submitted to ClinVar three times as VUS and once as likely pathogenic by clinical laboratories. Additionally, it has been reported in a single individual with generalised thyroid hormone resistance, language difficulties, and below average IQ (PMID: 1661299, 25040256). (I) 0905 - No published segregation evidence has been identified for this variant. (I) 1007 - No published functional evidence has been identified for this variant. (SP) Legend: (SP) - Supporting pathogenic, (I) - Information, (SB) - Supporting benign

Women's Health and Genetics/Laboratory Corporation of America, LabCorp
Classification: Uncertain significance. Last evaluated: 2022-05-03. Review status: criteria provided, single submitter. Criteria: LabCorp Variant Classification Summary - May 2015. Collection method: clinical testing. Allele origin: germline.
Comment: Variant summary: THRB c.994G>A (p.Gly332Arg) results in a non-conservative amino acid change located in the Nuclear hormone receptor, ligand-binding domain (IPR000536) of the encoded protein sequence. Five of five in-silico tools predict a damaging effect of the variant on protein function. The variant was absent in 251476 control chromosomes. c.994G>A has been reported in the literature in individuals affected with Autosomal Dominant Generalized Thyroid Hormone Resistance (example, Parrilla_1991 cited in Adams_1994, Macchia_2014, Alberobello_2011). These data indicate that the variant may be associated with disease. To our knowledge, no experimental evidence demonstrating an impact on protein function has been reported. Three clinical diagnostic laboratories have submitted clinical-significance assessments for this variant to ClinVar after 2014 without evidence for independent evaluation (Likely Pathogenic, n=1; VUS, n=2). Based on the evidence outlined above, the variant was classified as VUS-possibly pathogenic.

Quest Diagnostics Nichols Institute San Juan Capistrano
Classification: Uncertain significance. Last evaluated: 2021-04-29. Review status: criteria provided, single submitter. Criteria: Quest Diagnostics criteria. Collection method: clinical testing. Allele origin: unknown.

Blueprint Genetics
Classification: Likely pathogenic for THRB-related disorders. Last evaluated: 2019-09-29. Review status: criteria provided, single submitter. Criteria: ACMG Guidelines, 2015. Collection method: clinical testing. Allele origin: germline. Affected: yes. Observed: 1 variant allele.

GeneDx
Classification: Uncertain significance. Last evaluated: 2019-07-25. Review status: criteria provided, single submitter. Criteria: GeneDx Variant Classification Process June 2021. Collection method: clinical testing. Allele origin: germline. Affected: yes.
Comment: Also denoted as p.G327R due to alternative nomenclature; Identified in a patient with thyroid hormone resistance in the published literature (Parrilla et al., 1991); Not observed in large population cohorts (Lek et al., 2016); In silico analysis, which includes protein predictors and evolutionary conservation, supports a deleterious effect; This variant is associated with the following publications: (PMID: 8013151, 1661299, 20050372, 21871106)

Center for Pediatric Genomic Medicine, Children's Mercy Hospital and Clinics
Classification: Likely pathogenic. Last evaluated: 2016-07-20. Review status: criteria provided, single submitter. Criteria: ACMG Guidelines, 2015. Collection method: clinical testing. Allele origin: germline.

OMIM
Classification: Pathogenic for THYROID HORMONE RESISTANCE, GENERALIZED, AUTOSOMAL DOMINANT. Last evaluated: 1994-05-01. Review status: no assertion criteria provided. Collection method: literature only. Allele origin: germline. Not counted in ClinVar's aggregate classification.

Literature cited by the submitters: PubMed 1661299 (cited by 5 submitters); PubMed 8040303 (cited by 3 submitters); PubMed 25040256 (cited by Victorian Clinical Genetics Services, Murdoch Childrens Research Institute and Women's Health and Genetics/Laboratory Corporation of America, LabCorp); PubMed 30976996 (cited by Victorian Clinical Genetics Services, Murdoch Childrens Research Institute); PubMed 34556608 (cited by Victorian Clinical Genetics Services, Murdoch Childrens Research Institute); PubMed 21871106 (cited by Women's Health and Genetics/Laboratory Corporation of America, LabCorp and Quest Diagnostics Nichols Institute San Juan Capistrano); PubMed 20050372 (cited by Quest Diagnostics Nichols Institute San Juan Capistrano); PubMed 8013151 (cited by OMIM).

NM_001354712.2(THRB):c.994G>A (p.Gly332Arg)

Gene: THRB (thyroid hormone receptor beta; minus strand). Cytogenetic location: 3p24.2.
Variant type: single nucleotide variant.
Coding change: c.994G>A on transcript NM_001354712.2 (MANE Select); coding-DNA position 994, G replaced by A.
Protein change: p.Gly332Arg; replaces glycine 332 with arginine.
Molecular consequence: missense variant.
Genome position (GRCh38, 1-based): chr3:24,127,649, C>T on the plus strand (G>A on the coding strand, the complement: THRB is on the minus strand). VCF-style: chr3-24127649-C-T. GRCh37 (hg19) VCF-style: chr3-24169140-C-T.
Other names: c.994G>A, p.Gly332Arg (NM_000461.5, NM_001128176.3, NM_001128177.2 and 6 more transcripts); c.901G>A, p.Gly301Arg (NM_001354714.2, NM_001354715.2); c.994G>A (NM_001354712.1); short protein forms G332R, G301R.
Identifiers: ClinVar variation 12543 (VCV000012543.13), dbSNP rs28999969, ClinGen allele CA122469.